The following is an entry in ClinVar:

ClinVar aggregate classification (germline): Uncertain significance (1 of 4 stars; one submission).

Submission:

GeneDx
Classification: Uncertain significance. Last evaluated: 2023-03-31. Review status: criteria provided, single submitter. Criteria: GeneDx Variant Classification Process June 2021. Collection method: clinical testing. Allele origin: germline. Affected: yes.
Comment: Not observed at significant frequency in large population cohorts (gnomAD); In silico analysis supports that this missense variant does not alter protein structure/function; Has not been previously published as pathogenic or benign to our knowledge

NM_133433.4(NIPBL):c.4366A>G (p.Ile1456Val)

Gene: NIPBL (NIPBL cohesin loading factor; plus strand). Cytogenetic location: 5p13.2.
Variant type: single nucleotide variant.
Coding change: c.4366A>G on transcript NM_133433.4 (MANE Select); coding-DNA position 4366, A replaced by G.
Protein change: p.Ile1456Val; replaces isoleucine 1456 with valine.
Molecular consequence: missense variant.
Genome position (GRCh38, 1-based): chr5:37,008,668, A>G. VCF-style: chr5-37008668-A-G. GRCh37 (hg19) VCF-style: chr5-37008770-A-G.
Other names: c.4366A>G, p.Ile1456Val (NM_015384.5); short protein forms I1456V.
Identifiers: ClinVar variation 2581728 (VCV002581728.1), dbSNP rs2478173884, ClinGen allele CA359526965.